The following is an entry in ClinVar:

NM_001385012.1(NBEA):c.7035+2T>C

Gene: NBEA (neurobeachin; plus strand). Cytogenetic location: 13q13.3.
Variant type: single nucleotide variant.
Coding change: c.7035+2T>C on transcript NM_001385012.1 (MANE Select); the canonical splice donor site of the intron after coding-DNA position 7035, T replaced by C.
Molecular consequence: splice donor variant.
Genome position (GRCh38, 1-based): chr13:35,567,019, T>C. VCF-style: chr13-35567019-T-C. GRCh37 (hg19) VCF-style: chr13-36141156-T-C.
Other names: c.7035+2T>C (NM_015678.5); c.7026+2T>C (NM_001379245.1); c.414+2T>C (NM_001204197.3).
Identifiers: ClinVar variation 4852772 (VCV004852772.1).

ClinVar aggregate classification (germline): Likely pathogenic (1 of 4 stars; one submission).

Conditions:
Neurodevelopmental disorder with or without early-onset generalized epilepsy. Identifiers: MedGen C5436914, MONDO:0030930, OMIM 619157.

gnomAD v4.1: 2 of 1,554,064 alleles (0.00013%); highest among the groups gnomAD compares: Non-Finnish European, 0.000089%; no homozygotes.

Submission:

Diagnostics Services (NGS), CSIR - Centre For Cellular And Molecular Biology
Classification: Likely pathogenic for Neurodevelopmental disorder with or without early-onset generalized epilepsy. Last evaluated: 2026-05-12. Review status: criteria provided, single submitter. Criteria: ACMG Guidelines, 2015. Collection method: clinical testing. Allele origin: germline. Affected: yes. Observed: 1 variant allele, 1 heterozygote.
Comment: The c.7035+2T>C variant is not present in publicly available population databases like 1000 Genomes, EVS, gnomAD, Indian Exome Database or our internal database. This variant has neither been published in literature in individuals affected with NBEA-related conditions nor reported to the clinical databases like Human Genome Mutation Database (HGMD), ClinVar or OMIM, in any affected individuals. Algorithms developed to predict the effect of sequence changes on RNA splicing suggest that this variant can disrupt the consensus splice site. In-silico pathogenicity prediction programs like HSF3.1, MutationTaster2, CADD, Varsome, Franklin etc predicted the variant to be likely deleterious, however these predictions were not confirmed by published functional/translational studies.